The following is an entry in ClinVar:

ClinVar aggregate classification (germline): Uncertain significance (1 of 4 stars; one submission).

Allele frequency attached by ClinVar (database versions not stated): ExAC 0.00002; gnomAD exomes 0.00002 and 0.00004; TOPMed 0.00003; gnomAD 0.00004 and 0.00005; ESP Exome Variant Server 0.00015.

Submission:

Labcorp Genetics (formerly Invitae), Labcorp
Classification: Uncertain significance. Last evaluated: 2022-01-21. Review status: criteria provided, single submitter. Criteria: Invitae Variant Classification Sherloc (09022015). Collection method: clinical testing. Allele origin: germline.
Comment: This sequence change replaces arginine, which is basic and polar, with glutamine, which is neutral and polar, at codon 1451 of the CEP250 protein (p.Arg1451Gln). This variant is present in population databases (rs142385694, gnomAD 0.007%). This variant has not been reported in the literature in individuals affected with CEP250-related conditions. ClinVar contains an entry for this variant (Variation ID: 960072). Algorithms developed to predict the effect of missense changes on protein structure and function output the following: SIFT: "Not Available"; PolyPhen-2: "Benign"; Align-GVGD: "Not Available". The glutamine amino acid residue is found in multiple mammalian species, which suggests that this missense change does not adversely affect protein function. In summary, the available evidence is currently insufficient to determine the role of this variant in disease. Therefore, it has been classified as a Variant of Uncertain Significance.

NM_007186.6(CEP250):c.4352G>A (p.Arg1451Gln)

Gene: CEP250 (centrosomal protein 250; plus strand). Cytogenetic location: 20q11.22.
Variant type: single nucleotide variant.
Coding change: c.4352G>A on transcript NM_007186.6 (MANE Select); coding-DNA position 4352, G replaced by A.
Protein change: p.Arg1451Gln; replaces arginine 1451 with glutamine.
Molecular consequence: missense variant.
Genome position (GRCh38, 1-based): chr20:35,502,721, G>A. VCF-style: chr20-35502721-G-A. GRCh37 (hg19) VCF-style: chr20-34090549-G-A.
Other names: c.2456G>A, p.Arg819Gln (NM_001318219.1); short protein forms R1451Q, R819Q.
Identifiers: ClinVar variation 960072 (VCV000960072.7), dbSNP rs142385694, ClinGen allele CA9833708.